The following is an entry in ClinVar:

NM_004519.4(KCNQ3):c.*2876C>G

Gene: KCNQ3 (potassium voltage-gated channel subfamily Q member 3; minus strand). Cytogenetic location: 8q24.22.
Variant type: single nucleotide variant.
Coding change: c.*2876C>G on transcript NM_004519.4 (MANE Select); 2876 bases downstream of the stop codon, C replaced by G.
Molecular consequence: 3 prime UTR variant.
Genome position (GRCh38, 1-based): chr8:132,126,386, G>C on the plus strand (C>G on the coding strand, the complement: KCNQ3 is on the minus strand). VCF-style: chr8-132126386-G-C. GRCh37 (hg19) VCF-style: chr8-133138633-G-C.
Other names: c.*2876C>G (NM_001204824.2).
Identifiers: ClinVar variation 361836 (VCV000361836.6), dbSNP rs572963665, ClinGen allele CA10630219.

ClinVar aggregate classification (germline): Benign (1 of 4 stars; one submission).

Conditions:
Seizures, benign familial neonatal, 2. Also called: CONVULSIONS, BENIGN FAMILIAL NEONATAL, 2; KCNQ3-Related Self-Limited Familial Neonatal Epilepsy (SLFNE); Benign Neonatal Epilepsy 2; KCNQ3-Related Benign Familial Neonatal Epilepsy; Seizures, benign neonatal, 2. Identifiers: Orphanet 1949, MedGen C1852581, MONDO:0007366, OMIM 121201.

Allele frequency attached by ClinVar (database versions not stated): 1000 Genomes Project 0.00060; gnomAD 0.00079 and 0.00085; TOPMed 0.00093; 1000 Genomes Project 30x 0.00047.

Submission:

Illumina Laboratory Services, Illumina
Classification: Benign for Seizures, benign familial neonatal, 2. Last evaluated: 2018-01-13. Review status: criteria provided, single submitter. Criteria: ICSL Variant Classification Criteria 13 December 2019. Collection method: clinical testing. Allele origin: germline.
Comment: This variant was observed in the ICSL laboratory as part of a predisposition screen in an ostensibly healthy population. It had not been previously curated by ICSL or reported in the Human Gene Mutation Database (HGMD: prior to June 1st, 2018), and was therefore a candidate for classification through an automated scoring system. Utilizing variant allele frequency, disease prevalence and penetrance estimates, and inheritance mode, an automated score was calculated to assess if this variant is too frequent to cause the disease. Based on the score and internal cut-off values, a variant classified as benign is not then subjected to further curation. The score for this variant resulted in a classification of benign for this disease.